The following is an entry in ClinVar:

ClinVar aggregate classification (germline): Conflicting classifications of pathogenicity. Review status: criteria provided, conflicting classifications (1 of 4 stars). 5 submissions from 5 submitters: Uncertain significance (1); Benign (3). 1 of the submissions does not count toward it. Last evaluated 2026-01-19.

Conditions:
PEX6 POLYMORPHISM.
Peroxisome biogenesis disorder. Identifiers: Orphanet 79189, MedGen C1832200, MONDO:0019234. Disease mechanism: loss of function.

Submissions (5):

Labcorp Genetics (formerly Invitae), Labcorp
Classification: Benign for Peroxisome biogenesis disorder. Last evaluated: 2026-01-19. Review status: criteria provided, single submitter. Criteria: Invitae Variant Classification Sherloc (09022015). Collection method: clinical testing. Allele origin: germline.

Revvity Omics, Revvity
Classification: Uncertain significance. Last evaluated: 2024-10-21. Review status: criteria provided, single submitter. Criteria: ACMG Guidelines, 2015. Collection method: clinical testing. Allele origin: germline.

GeneDx
Classification: Benign. Last evaluated: 2021-09-01. Review status: criteria provided, single submitter. Criteria: GeneDx Variant Classification Process June 2021. Collection method: clinical testing. Allele origin: germline. Affected: yes.
Comment: This variant is associated with the following publications: (PMID: 29220678)

Eurofins Ntd Llc (ga)
Classification: Benign. Last evaluated: 2018-08-08. Review status: criteria provided, single submitter. Criteria: EGL ClinVar v180209 classification definitions. Collection method: clinical testing. Allele origin: germline. Observed: 1 variant allele, 1 heterozygote.

OMIM
Classification: Benign for PEX6 POLYMORPHISM. Last evaluated: 2023-09-29. Review status: no assertion criteria provided. Collection method: literature only. Allele origin: germline. Not counted in ClinVar's aggregate classification.

Literature cited by the submitters: PubMed 29220678 (cited by OMIM).

NM_000287.4(PEX6):c.*438TAAA[1]

Genes: GNMT (glycine N-methyltransferase; plus strand), PEX6 (peroxisomal biogenesis factor 6; minus strand). Cytogenetic location: 6p21.1.
Variant type: Microsatellite.
Coding change: c.*438TAAA[1] on transcript NM_000287.4 (MANE Select); one copy of the 4-base unit TAAA starting at c.*438; the reference has two copies in a row; one copy, 4 bases deleted.
Molecular consequence: 3 prime UTR variant. On other transcripts: non-coding transcript variant (1).
Genome position (GRCh38, 1-based): chr6:42,963,890-42,963,893, TTTA deleted on the plus strand (TAAA on the coding strand, the reverse complement: PEX6 is on the minus strand); deleting any 4 consecutive bases within chr6:42,963,890-42,963,898 gives the same sequence; the position shown is the placement nearest the transcript's 3' end. VCF-style (leftmost placement, unchanged base first): chr6-42963889-GTTTA-G. GRCh37 (hg19) VCF-style: chr6-42931627-GTTTA-G.
Other names: c.*442_*445del (NM_000287.4, NM_000287.3); c.*438TAAA[1] (NM_001316313.2).
Identifiers: ClinVar variation 356786 (VCV000356786.21), dbSNP rs144286892, ClinGen allele CA10622108.
Genomic context (GRCh38, chr6:42,963,889, plus strand): 5'-GTGGGTTCCACAGACGGAAGGGTAAACAATATAGTCTTTTTCAGTTCCTGCATGCATTGT[GTTTA>G]TTTATGTCAGAAGGATCAGGCTCCCATGCTGCCCACCCCCCCACCCTCTCCCAGGGCTTA-3'